The following is an entry in ClinVar:

NM_014425.5(INVS):c.2824A>G (p.Met942Val)

Gene: INVS (inversin; plus strand). Cytogenetic location: 9q31.1.
Variant type: single nucleotide variant.
Coding change: c.2824A>G on transcript NM_014425.5 (MANE Select); coding-DNA position 2824, A replaced by G.
Protein change: p.Met942Val; replaces methionine 942 with valine.
Molecular consequence: missense variant. On other transcripts: non-coding transcript variant (1).
Genome position (GRCh38, 1-based): chr9:100,296,954, A>G. VCF-style: chr9-100296954-A-G. GRCh37 (hg19) VCF-style: chr9-103059236-A-G.
Other names: c.2536A>G, p.Met846Val (NM_001318381.2); c.1846A>G, p.Met616Val (NM_001318382.2); short protein forms M846V, M616V, M942V.
Identifiers: ClinVar variation 4984764 (VCV004984764.1).

ClinVar aggregate classification (germline): Uncertain significance (1 of 4 stars; one submission).

Conditions:
INVS-related disorder. Also called: INVS-related condition.

gnomAD v4.1: 4 of 1,614,126 alleles (0.00025%); highest among the groups gnomAD compares: Admixed American, 0.0067%; no homozygotes.

Submission:

PreventionGenetics, part of Exact Sciences
Classification: Uncertain significance for INVS-related condition. Last evaluated: 2026-05-13. Review status: criteria provided, single submitter. Criteria: ACMG Guidelines, 2015. Collection method: clinical testing. Allele origin: germline.
Comment: The INVS c.2824A>G variant is predicted to result in the amino acid substitution p.Met942Val. To our knowledge, this variant has not been reported in the literature. This variant is reported in 0.0087% of alleles in individuals of Latino descent in gnomAD. At this time, the clinical significance of this variant is uncertain due to the absence of conclusive functional and genetic evidence.